The following is an entry in ClinVar:

NM_000209.4(PDX1):c.164G>A (p.Gly55Asp)

Gene: PDX1 (pancreatic and duodenal homeobox 1; plus strand). Cytogenetic location: 13q12.2.
Variant type: single nucleotide variant.
Coding change: c.164G>A on transcript NM_000209.4 (MANE Select); coding-DNA position 164, G replaced by A.
Protein change: p.Gly55Asp; replaces glycine 55 with aspartic acid.
Molecular consequence: missense variant.
Genome position (GRCh38, 1-based): chr13:27,920,302, G>A. VCF-style: chr13-27920302-G-A. GRCh37 (hg19) VCF-style: chr13-28494439-G-A.
Other names: NG_008183.1:g.5272G>A; NP_000200.1:p.(Gly55Asp); short protein forms G55D.
Identifiers: ClinVar variation 1678768 (VCV001678768.7), dbSNP rs753249965, ClinGen allele CA6927586.

ClinVar aggregate classification (germline): Conflicting classifications of pathogenicity. Review status: criteria provided, conflicting classifications (1 of 4 stars). 3 submissions from 3 submitters: Uncertain significance (1); Likely benign (2). Last evaluated 2023-11-17.

Conditions:
Maturity-onset diabetes of the young type 4 (MODY4). Also called: Maturity-onset diabetes of the young, type IV; MODY, type IV. Identifiers: Orphanet 552, MedGen C1833382, MONDO:0011667, OMIM 606392.

Allele frequency attached by ClinVar (database versions not stated): TOPMed below 0.00001; gnomAD 0.00003; gnomAD exomes 0.00005 and 0.00014; 1000 Genomes Project 30x 0.00031; ExAC 0.00050.
gnomAD v4.1: 66 of 1,537,470 alleles (0.0043%); highest among the groups gnomAD compares: South Asian, 0.078%; 2 homozygotes.

Submissions (3):

Labcorp Genetics (formerly Invitae), Labcorp
Classification: Uncertain significance. Last evaluated: 2023-11-17. Review status: criteria provided, single submitter. Criteria: Invitae Variant Classification Sherloc (09022015). Collection method: clinical testing. Allele origin: germline.
Comment: This sequence change replaces glycine, which is neutral and non-polar, with aspartic acid, which is acidic and polar, at codon 55 of the PDX1 protein (p.Gly55Asp). This variant is present in population databases (rs753249965, gnomAD 0.09%). This missense change has been observed in individual(s) with maturity onset diabetes of the young (PMID: 26226118). ClinVar contains an entry for this variant (Variation ID: 1678768). Advanced modeling of protein sequence and biophysical properties (such as structural, functional, and spatial information, amino acid conservation, physicochemical variation, residue mobility, and thermodynamic stability) performed at Invitae indicates that this missense variant is not expected to disrupt PDX1 protein function with a negative predictive value of 80%. In summary, the available evidence is currently insufficient to determine the role of this variant in disease. Therefore, it has been classified as a Variant of Uncertain Significance.

Department Of Endocrinology, Sanjay Gandhi Postgraduate Institute Of Medical Sciences
Classification: Likely benign for Maturity-onset diabetes of the young type 4. Last evaluated: 2023-08-15. Review status: criteria provided, single submitter. Criteria: ACMG Guidelines, 2015. Collection method: clinical testing. Allele origin: unknown. Inheritance: Autosomal dominant inheritance. Affected: yes. Observed: 1 heterozygote.
Comment: Heterozygous missense variation in exon 1 of the PDX1 gene (chr13:g.27920302G>A) that results in the amino acid substitution of Aspartic acid for Glycine at codon 55. The observed variation has previously been reported in patients affected with maturity onset diabetes of the young (PMID: 26226118). The variant has not been reported in 1000 genome database and has a frequency of 0.000026 in gnomAD genomes. The in-silico interpretation of the variant is benign by Mutation taster 2, and damaging by SIFT and PolyPhen2. The variant has previosuly been submitted to clinvar (Accession: RCV002226082.2). PM2, BP4, BP6

GeneDx
Classification: Likely benign. Last evaluated: 2019-04-01. Review status: criteria provided, single submitter. Criteria: GeneDx Variant Classification Process June 2021. Collection method: clinical testing. Allele origin: germline. Affected: yes.
Comment: See Variant Classification Assertion Criteria.

Literature cited by the submitters: PubMed 26226118 (cited by Labcorp Genetics (formerly Invitae), Labcorp and Department Of Endocrinology, Sanjay Gandhi Postgraduate Institute Of Medical Sciences).